The following is an entry in ClinVar:

NM_007294.4(BRCA1):c.2194delinsAA (p.Glu732fs)

Gene: BRCA1 (BRCA1 DNA repair associated; minus strand). Cytogenetic location: 17q21.31.
Variant type: Indel.
Coding change: c.2194delinsAA on transcript NM_007294.4 (MANE Select); coding-DNA position 2194, G replaced by AA.
Protein change: p.Glu732fs; shifts the reading frame from glutamic acid 732.
Molecular consequence: frameshift variant. On other transcripts: intron variant (137).
Genome position (GRCh38, 1-based): chr17:43,093,337, C replaced by TT on the plus strand (G replaced by AA on the coding strand, the reverse complement: BRCA1 is on the minus strand). VCF-style: chr17-43093337-C-TT. GRCh37 (hg19) VCF-style: chr17-41245354-C-TT.
Other names: 2313delGinsAA; c.2194G>AA (NM_007294.3); c.643+1407delinsAA (NM_001408463.1, NM_001408462.1, NM_001408470.1 and 3 more transcripts); c.523+1407delinsAA (NM_001408499.1, NM_001408498.1, NM_001408501.1 and 3 more transcripts); c.671-2305delinsAA (NM_001408422.1, NM_001408418.1, NM_001408423.1 and 2 more transcripts); c.706+1407delinsAA (NM_001408416.1, NM_001408413.1); c.577+1407delinsAA (NM_001408484.1, NM_001408478.1, NM_001408514.1 and 9 more transcripts); c.661+1407delinsAA (NM_001408450.1, NM_001408434.1, NM_001408447.1 and 6 more transcripts); and 43 more; short protein forms E685fs, E732fs, E436fs, E621fs, E684fs, E691fs, E705fs, E564fs.
Identifiers: ClinVar variation 266233 (VCV000266233.7), dbSNP rs886040010, ClinGen allele CA10589880.

ClinVar aggregate classification (germline): Pathogenic. Review status: reviewed by expert panel (3 of 4 stars). 3 submissions from 3 submitters: Pathogenic (1). 2 of the submissions do not count toward it. Last evaluated 2016-10-18.

Conditions:
Breast-ovarian cancer, familial, susceptibility to, 1 (BROVCA1). Also called: BRCA1 Hereditary Breast and Ovarian Cancer; OVARIAN CANCER, SUSCEPTIBILITY TO. Identifiers: Orphanet 145, MedGen C2676676, MONDO:0011450, OMIM 604370. Disease mechanism: loss of function.

Submissions (3):

Evidence-based Network for the Interpretation of Germline Mutant Alleles (ENIGMA)
Classification: Pathogenic for Breast-ovarian cancer, familial, susceptibility to, 1. Last evaluated: 2016-10-18. Review status: reviewed by expert panel. Criteria: ENIGMA BRCA1/2 Classification Criteria (2015). Collection method: curation. Allele origin: germline.
Comment: Variant allele predicted to encode a truncated non-functional protein.

Consortium of Investigators of Modifiers of BRCA1/2 (CIMBA), c/o University of Cambridge
Classification: Pathogenic for Breast-ovarian cancer, familial, susceptibility to, 1. Last evaluated: 2015-10-02. Review status: criteria provided, single submitter. Criteria: CIMBA Mutation Classification guidelines May 2016. Collection method: clinical testing. Allele origin: germline. Not counted in ClinVar's aggregate classification.

GeneDx
Classification: Pathogenic. Last evaluated: 2014-10-15. Review status: criteria provided, single submitter. Criteria: GeneDx Variant Classification (06012015). Collection method: clinical testing. Allele origin: germline. Affected: yes. Not counted in ClinVar's aggregate classification.
Comment: This combined deletion and insertion is denoted BRCA1 c.2194delGinsAA at the cDNA level and p.Glu732LysfsX8 (E732KfsX8) at the protein level. The normal sequence, with the bases that are deleted and inserted in brackets, is GAAAAA[delG][insAA]AAGA. The variant causes a frameshift, which changes a Glutamic Acid to a Lysine at codon 732, and creates a premature stop codon at position 8 of the new reading frame. Although this variant has not, to our knowledge, been reported in the literature, it is predicted to cause loss of normal protein function through either protein truncation or nonsense-mediated mRNA decay. we consider this variant to be pathogenic.